The following is an entry in ClinVar:

ClinVar aggregate classification (germline): Uncertain significance (1 of 4 stars; one submission).

Conditions:
MYH6-related disorder. Also called: MYH6-related condition; MYH6-Related Disorders.

Submission:

PreventionGenetics, part of Exact Sciences
Classification: Uncertain significance for MYH6-related condition. Last evaluated: 2023-07-11. Review status: criteria provided, single submitter. Criteria: ACMG Guidelines, 2015. Collection method: clinical testing. Allele origin: germline.
Comment: The MYH6 c.4357A>C variant is predicted to result in the amino acid substitution p.Lys1453Gln. To our knowledge, this variant has not been reported in the literature or in a large population database, indicating this variant is rare. At this time, the clinical significance of this variant is uncertain due to the absence of conclusive functional and genetic evidence.

NM_002471.4(MYH6):c.4357A>C (p.Lys1453Gln)

Gene: MYH6 (myosin heavy chain 6; minus strand). Cytogenetic location: 14q11.2.
Variant type: single nucleotide variant.
Coding change: c.4357A>C on transcript NM_002471.4 (MANE Select); coding-DNA position 4357, A replaced by C.
Protein change: p.Lys1453Gln; replaces lysine 1453 with glutamine.
Molecular consequence: missense variant.
Genome position (GRCh38, 1-based): chr14:23,388,157, T>G on the plus strand (A>C on the coding strand, the complement: MYH6 is on the minus strand). VCF-style: chr14-23388157-T-G. GRCh37 (hg19) VCF-style: chr14-23857366-T-G.
Other names: short protein forms K1453Q.
Identifiers: ClinVar variation 2631369 (VCV002631369.1), dbSNP rs2502149622, ClinGen allele CA388998308.